The following is an entry in ClinVar:

ClinVar aggregate classification (germline): Conflicting classifications of pathogenicity. Review status: criteria provided, conflicting classifications (1 of 4 stars). 5 submissions from 5 submitters: Uncertain significance (1); Benign (1); Likely benign (3). Last evaluated 2026-09-01.

Conditions:
Developmental and epileptic encephalopathy, 42 (DEE42A). Also called: DEVELOPMENTAL AND EPILEPTIC ENCEPHALOPATHY 42A; EPILEPTIC ENCEPHALOPATHY, EARLY INFANTILE, 42A; Epileptic encephalopathy, early infantile, 42. Identifiers: MedGen C4310716, MONDO:0014917, OMIM 617106.

Allele frequency attached by ClinVar (database versions not stated): ExAC below 0.00001; gnomAD exomes 0.00008 and 0.00017; TOPMed 0.00017; 1000 Genomes Project 0.00020; 1000 Genomes Project 30x 0.00047.
gnomAD v4.1: 124 of 1,426,160 alleles (0.0087%); highest among the groups gnomAD compares: Admixed American, 0.071%; no homozygotes.

Submissions (5):

CeGaT Center for Human Genetics Tuebingen
Classification: Likely benign. Last evaluated: 2026-09-01. Review status: criteria provided, single submitter. Criteria: CeGaT Center For Human Genetics Tuebingen Variant Classification Criteria Version 2. Collection method: clinical testing. Allele origin: germline. Affected: yes. Observed: 2 variant alleles.
Comment: CACNA1A: PP3, BS2

Athena Diagnostics
Classification: Benign. Last evaluated: 2024-12-27. Review status: criteria provided, single submitter. Criteria: Athena Diagnostics Criteria. Collection method: clinical testing. Allele origin: unknown.
Comment: The frequency of this variant in the general population is higher than would generally be expected for pathogenic variants in this gene. Computational tools predict this amino acid change may be benign.

Blueprint Genetics
Classification: Likely benign. Last evaluated: 2024-11-26. Review status: criteria provided, single submitter. Criteria: ACMG Guidelines, 2015. Collection method: clinical testing. Allele origin: germline.

ARUP Laboratories, Molecular Genetics and Genomics, ARUP Laboratories
Classification: Likely benign. Last evaluated: 2024-10-28. Review status: criteria provided, single submitter. Criteria: ARUP Molecular Germline Variant Investigation Process 2024. Collection method: clinical testing. Allele origin: germline.

New York Genome Center
Classification: Uncertain significance for Developmental and epileptic encephalopathy, 42. Last evaluated: 2021-12-22. Review status: criteria provided, single submitter. Criteria: NYGC Assertion Criteria 2020. Collection method: clinical testing. Allele origin: inherited. Observed: 1 heterozygote. Study: CSER-NYCKidSeq.

NM_001127222.2(CACNA1A):c.7327G>A (p.Ala2443Thr)

Gene: CACNA1A (calcium voltage-gated channel subunit alpha1 A; minus strand). Cytogenetic location: 19p13.13.
Variant type: single nucleotide variant.
Coding change: c.7327G>A on transcript NM_001127222.2 (MANE Select); coding-DNA position 7327, G replaced by A.
Protein change: p.Ala2443Thr; replaces alanine 2443 with threonine.
Molecular consequence: missense variant. On other transcripts: 3 prime UTR variant (3).
Genome position (GRCh38, 1-based): chr19:13,207,507, C>T on the plus strand (G>A on the coding strand, the complement: CACNA1A is on the minus strand). VCF-style: chr19-13207507-C-T. GRCh37 (hg19) VCF-style: chr19-13318321-C-T.
Other names: c.*539G>A (NM_000068.4, NM_001127221.2, NM_001174080.2); c.7345G>A, p.Ala2449Thr (NM_023035.3); short protein forms A2443T, A2449T.
Identifiers: ClinVar variation 977400 (VCV000977400.39), dbSNP rs533884784, ClinGen allele CA9239184.